The following is an entry in ClinVar:

NM_002454.3(MTRR):c.1418_1419del (p.Val473fs)

Gene: MTRR (5-methyltetrahydrofolate-homocysteine methyltransferase reductase; plus strand). Cytogenetic location: 5p15.31.
Variant type: Microsatellite.
Coding change: c.1418_1419del on transcript NM_002454.3 (MANE Select); coding-DNA positions 1418 to 1419, 2 bases deleted (TG; older notation c.1418_1419delTG).
Protein change: p.Val473fs; shifts the reading frame from valine 473.
Molecular consequence: frameshift variant. On other transcripts: non-coding transcript variant (14).
Genome position (GRCh38, 1-based): chr5:7,892,774-7,892,775, TG deleted; deleting any 2 consecutive bases within chr5:7,892,772-7,892,775 gives the same sequence; the c. name uses the placement nearest the transcript's 3' end. VCF-style (leftmost placement, unchanged base first): chr5-7892771-TTG-T. GRCh37 (hg19) VCF-style: chr5-7892884-TTG-T.
Other names: c.1418_1419del (NM_002454.2); c.1418_1419del, p.Val473fs (NM_001364440.2, NM_001364441.2, NM_001364442.2 and 1 more transcripts); short protein forms V473fs.
Identifiers: ClinVar variation 2166812 (VCV002166812.6), dbSNP rs2479100979, ClinGen allele CA2578266005.

ClinVar aggregate classification (germline): Pathogenic/Likely pathogenic. Review status: criteria provided, multiple submitters, no conflicts (2 of 4 stars). 3 submissions from 3 submitters: Pathogenic (1); Likely pathogenic (2). Last evaluated 2025-10-22.

Conditions:
Neural tube defects, folate-sensitive (NTDFS). Also called: NTD, FOLATE-SENSITIVE. Identifiers: Orphanet 823, MedGen C1866558, MONDO:0011120, OMIM 601634.
Methylcobalamin deficiency type cblE (HMAE). Also called: HOMOCYSTINURIA-MEGALOBLASTIC ANEMIA, cblE COMPLEMENTATION TYPE; VITAMIN B12-RESPONSIVE HOMOCYSTINURIA, cblE TYPE; HOMOCYSTINURIA-MEGALOBLASTIC ANEMIA, cblE TYPE. Identifiers: Orphanet 2169, Orphanet 622, MedGen C1856057, MONDO:0009354, OMIM 236270.

Submissions (3):

Natera, Inc.
Classification: Likely pathogenic for CblE complementation type homocystinuria-megaloblastic anemia due to defect in cobalamin metabolism. Last evaluated: 2025-10-22. Review status: criteria provided, single submitter. Criteria: Natera Variant Classification Schema (03/2026). Collection method: clinical testing. Allele origin: germline.
Comment: The c.1418_1419del variant in MTRR is a frameshift variant predicted to shift the reading frame beginning at codon 473 and leads to a stop codon 37 codons downstream. This variant is expected to result in nonsense mediated decay, truncation, or a dysfunctional protein product. This variant is rare in the general population with a frequency below the threshold expected for the associated phenotype(s). Given the available evidence, this variant is classified as Likely Pathogenic.

Baylor Genetics
Classification: Likely pathogenic for Neural tube defects, folate-sensitive. Last evaluated: 2023-08-26. Review status: criteria provided, single submitter. Criteria: ACMG Guidelines, 2015. Collection method: clinical testing. Allele origin: unknown.

Labcorp Genetics (formerly Invitae), Labcorp
Classification: Pathogenic for Methylcobalamin deficiency type cblE. Last evaluated: 2022-10-10. Review status: criteria provided, single submitter. Criteria: Invitae Variant Classification Sherloc (09022015). Collection method: clinical testing. Allele origin: germline.
Comment: This sequence change creates a premature translational stop signal (p.Val473Glyfs*37) in the MTRR gene. It is expected to result in an absent or disrupted protein product. Loss-of-function variants in MTRR are known to be pathogenic (PMID: 15714522). This variant is not present in population databases (gnomAD no frequency). This variant has not been reported in the literature in individuals affected with MTRR-related conditions. For these reasons, this variant has been classified as Pathogenic.

Literature cited by the submitters: PubMed 15714522 (cited by Labcorp Genetics (formerly Invitae), Labcorp).